The following is an entry in ClinVar:

NM_002204.4(ITGA3):c.1060C>T (p.Pro354Ser)

Gene: ITGA3 (integrin subunit alpha 3; plus strand). Cytogenetic location: 17q21.33.
Variant type: single nucleotide variant.
Coding change: c.1060C>T on transcript NM_002204.4 (MANE Select); coding-DNA position 1060, C replaced by T.
Protein change: p.Pro354Ser; replaces proline 354 with serine.
Molecular consequence: missense variant.
Genome position (GRCh38, 1-based): chr17:50,072,086, C>T. VCF-style: chr17-50072086-C-T. GRCh37 (hg19) VCF-style: chr17-48149450-C-T.
Other names: short protein forms P354S.
Identifiers: ClinVar variation 3047461 (VCV003047461.3), dbSNP rs549115710, ClinGen allele CA8641413.
Genomic context (GRCh38, chr17:50,072,086, plus strand): 5'-AGGAAAGAGGAAGTAGGGGGTGCCATCTATGTCTTCATGAACCAGGCGGGAACCTCCTTC[C>T]CTGCTCACCCCTCACTCCTTCTTCATGGCCCCAGTGGCTCTGCCTTTGGTTTATCTGTGG-3'
Protein context (NP_002195.1, residues 344-364): VFMNQAGTSF[Pro354Ser]AHPSLLLHGP

ClinVar aggregate classification (germline): Likely benign. Review status: criteria provided, single submitter (1 of 4 stars). 2 submissions from 2 submitters: Likely benign (1). 1 of the submissions does not count toward it. Last evaluated 2025-09-01.

Conditions:
ITGA3-related disorder. Also called: ITGA3-related condition.

Allele frequency attached by ClinVar (database versions not stated): TOPMed 0.00002; gnomAD 0.00005; gnomAD exomes 0.00015; ExAC 0.00022; 1000 Genomes Project 30x 0.00031; 1000 Genomes Project 0.00040.
gnomAD v4.1: 218 of 1,614,084 alleles (0.014%); highest among the groups gnomAD compares: South Asian, 0.14%; 1 homozygote.

Submissions (2):

Labcorp Genetics (formerly Invitae), Labcorp
Classification: Likely benign. Last evaluated: 2025-09-01. Review status: criteria provided, single submitter. Criteria: Invitae Variant Classification Sherloc (09022015). Collection method: clinical testing. Allele origin: germline.

PreventionGenetics, part of Exact Sciences
Classification: Likely benign for ITGA3-related condition. Last evaluated: 2024-02-08. Review status: no assertion criteria provided. Collection method: clinical testing. Allele origin: germline. Not counted in ClinVar's aggregate classification.
Comment: This variant is classified as likely benign based on ACMG/AMP sequence variant interpretation guidelines (Richards et al. 2015 PMID: 25741868, with internal and published modifications).